The following is an entry in ClinVar:

NM_177438.3(DICER1):c.3585C>A (p.Asp1195Glu)

Gene: DICER1 (dicer 1, ribonuclease III; minus strand). Cytogenetic location: 14q32.13.
Variant type: single nucleotide variant.
Coding change: c.3585C>A on transcript NM_177438.3 (MANE Select); coding-DNA position 3585, C replaced by A.
Protein change: p.Asp1195Glu; replaces aspartic acid 1195 with glutamic acid.
Molecular consequence: missense variant.
Genome position (GRCh38, 1-based): chr14:95,103,811, G>T on the plus strand (C>A on the coding strand, the complement: DICER1 is on the minus strand). VCF-style: chr14-95103811-G-T. GRCh37 (hg19) VCF-style: chr14-95570148-G-T.
Other names: c.3585C>A, p.Asp1195Glu (NM_001195573.1, NM_001271282.3, NM_001291628.2 and 1 more transcripts); short protein forms D1195E.
Identifiers: ClinVar variation 936268 (VCV000936268.12), dbSNP rs372344332, ClinGen allele CA390874819.

ClinVar aggregate classification (germline): Uncertain significance. Review status: criteria provided, multiple submitters, no conflicts (2 of 4 stars). 2 submissions from 2 submitters: Uncertain significance (2). Last evaluated 2025-08-31.

Conditions:
DICER1-related tumor predisposition. Also called: DICER1 syndrome; DICER1-related pleuropulmonary blastoma cancer predisposition syndrome. Identifiers: Orphanet 284343, MedGen C3839822, MONDO:0100216.
Hereditary cancer-predisposing syndrome. Also called: Tumor predisposition; Hereditary neoplastic syndrome; Neoplastic Syndromes, Hereditary; Hereditary Cancer Syndrome. Identifiers: Orphanet 140162, MedGen C0027672, MeSH D009386, MONDO:0015356.

Submissions (2):

Labcorp Genetics (formerly Invitae), Labcorp
Classification: Uncertain significance for DICER1-related tumor predisposition. Last evaluated: 2025-08-31. Review status: criteria provided, single submitter. Criteria: Invitae Variant Classification Sherloc (09022015). Collection method: clinical testing. Allele origin: germline.
Comment: This sequence change replaces aspartic acid, which is acidic and polar, with glutamic acid, which is acidic and polar, at codon 1195 of the DICER1 protein (p.Asp1195Glu). This variant is not present in population databases (gnomAD no frequency). This variant has not been reported in the literature in individuals affected with DICER1-related conditions. ClinVar contains an entry for this variant (Variation ID: 936268). Invitae Evidence Modeling of protein sequence and biophysical properties (such as structural, functional, and spatial information, amino acid conservation, physicochemical variation, residue mobility, and thermodynamic stability) indicates that this missense variant is not expected to disrupt DICER1 protein function with a negative predictive value of 95%. In summary, the available evidence is currently insufficient to determine the role of this variant in disease. Therefore, it has been classified as a Variant of Uncertain Significance.

Ambry Genetics
Classification: Uncertain significance for Hereditary cancer-predisposing syndrome. Last evaluated: 2022-12-14. Review status: criteria provided, single submitter. Criteria: Ambry Variant Classification Scheme 2023. Collection method: clinical testing. Allele origin: germline.
Comment: The p.D1195E variant (also known as c.3585C>A), located in coding exon 20 of the DICER1 gene, results from a C to A substitution at nucleotide position 3585. The aspartic acid at codon 1195 is replaced by glutamic acid, an amino acid with highly similar properties. This amino acid position is conserved. In addition, the in silico prediction for this alteration is inconclusive. Since supporting evidence is limited at this time, the clinical significance of this alteration remains unclear.